The following is an entry in ClinVar:

ClinVar aggregate classification (germline): Pathogenic/Likely pathogenic. Review status: criteria provided, multiple submitters, no conflicts (2 of 4 stars). 3 submissions from 3 submitters: Pathogenic (2); Likely pathogenic (1). Last evaluated 2021-03-30.

Conditions:
Immunodeficiency 104. Also called: SCID, AUTOSOMAL RECESSIVE, T CELL-NEGATIVE, B CELL-POSITIVE, NK CELL-POSITIVE; Severe combined immunodeficiency, autosomal recessive, T cell-negative, B cell-positive, NK cell-positive; IMMUNODEFICIENCY 104, SEVERE COMBINED; Severe Combined Immune Deficiency, Autosomal Recessive, TCell -Negative, B Cell-Positive, NK Cell-Positive, IL7R-Related. Identifiers: MedGen C5676890, MONDO:0012163, OMIM 608971.
Severe combined immunodeficiency disease. Also called: Severe Combined Immune Deficiency; Severe combined immunodeficiency. Identifiers: Orphanet 183660, MedGen C0085110, MeSH D016511, MONDO:0015974, HP:0004430. Inheritance: X-Linked or Autosomal recessive.

Submissions (3):

Women's Health and Genetics/Laboratory Corporation of America, LabCorp
Classification: Likely pathogenic for Severe combined immunodeficiency disease. Last evaluated: 2021-03-30. Review status: criteria provided, single submitter. Criteria: LabCorp Variant Classification Summary - May 2015. Collection method: clinical testing. Allele origin: germline.
Comment: Variant summary: IL7R c.437_438delTT (p.Phe146CysfsX5) results in a premature termination codon, predicted to cause a truncation of the encoded protein or absence of the protein due to nonsense mediated decay, which are commonly known mechanisms for disease. Truncations downstream of this position have been classified as pathogenic by our laboratory. The variant was absent in 251234 control chromosomes (gnomAD). c.437_438delTT has been reported in the literature in one homozygous individual affected with Severe Combined Immunodeficiency Syndrome (Aluri_2019). These data indicate that the variant may be associated with disease. To our knowledge, no experimental evidence demonstrating an impact on protein function has been reported. Two ClinVar submitters (evaluation after 2014) cite the variant as pathogenic. Based on the evidence outlined above, the variant was classified as likely pathogenic.

Labcorp Genetics (formerly Invitae), Labcorp
Classification: Pathogenic for Immunodeficiency 104. Last evaluated: 2018-01-03. Review status: criteria provided, single submitter. Criteria: Invitae Variant Classification Sherloc (09022015). Collection method: clinical testing. Allele origin: germline.
Comment: For these reasons, this variant has been classified as Pathogenic. Loss-of-function variants in IL7R are known to be pathogenic (PMID: 21664875, 26123418). This variant has not been reported in the literature in individuals with IL7R-related disease. This variant is not present in population databases (ExAC no frequency). This sequence change creates a premature translational stop signal (p.Phe146Cysfs*5) in the IL7R gene. It is expected to result in an absent or disrupted protein product.

Rady Children's Institute for Genomic Medicine, Rady Children's Hospital San Diego
Classification: Pathogenic for SEVERE COMBINED IMMUNODEFICIENCY, AUTOSOMAL RECESSIVE, T CELL-NEGATIVE, B CELL-POSITIVE, NK CELL-POSITIVE. Last evaluated: 2017-12-29. Review status: criteria provided, single submitter. Criteria: ACMG Guidelines, 2015. Collection method: clinical testing. Allele origin: germline. Affected: yes. Observed: 1 variant allele.
Comment: This frameshifting variant is predicted to result in a premature termination of the IL7R protein c.437_438delTT (p.Phe146CysfsTer5). This variant has not been previously reported in the literature to our knowledge, but other pathogenic frameshift changes have been reported in the literature in association with severe combined immunodeficiency (PMID: 27807805, 28266921, 21184155). This variant is absent from population databases, thus is presumed to be rare. Based on the combined evidence, the c.437_438delTT (p.Phe146CysfsTer5) variant is classified as pathogenic.

Literature cited by the submitters: PubMed 30778343 (cited by Women's Health and Genetics/Laboratory Corporation of America, LabCorp); PubMed 21664875 (cited by Labcorp Genetics (formerly Invitae), Labcorp); PubMed 26123418 (cited by Labcorp Genetics (formerly Invitae), Labcorp).

NM_002185.5(IL7R):c.437_438del (p.Phe146fs)

Gene: IL7R (interleukin 7 receptor; plus strand). Cytogenetic location: 5p13.2.
Variant type: Deletion.
Coding change: c.437_438del on transcript NM_002185.5 (MANE Select); coding-DNA positions 437 to 438, 2 bases deleted (TT; older notation c.437_438delTT).
Protein change: p.Phe146fs; shifts the reading frame from phenylalanine 146.
Molecular consequence: frameshift variant. On other transcripts: non-coding transcript variant (1).
Genome position (GRCh38, 1-based): chr5:35,871,113-35,871,114, TT deleted; deleting any 2 consecutive bases within chr5:35,871,112-35,871,114 gives the same sequence; the c. name uses the placement nearest the transcript's 3' end. VCF-style (leftmost placement, unchanged base first): chr5-35871111-CTT-C. GRCh37 (hg19) VCF-style: chr5-35871213-CTT-C.
Other names: short protein forms F146fs.
Identifiers: ClinVar variation 565662 (VCV000565662.11), dbSNP rs1561423197, ClinGen allele CA891843184.
Genomic context (GRCh38, chr5:35,871,111, plus strand): 5'-TCCAGTTAAACCTGAGGCTCCTTTTGACCTGAGTGTCGTCTATCGGGAAGGAGCCAATGA[CTT>C]TGTGGTGACATTTAATACATCACACTTGCAAAAGAAGTATGTAAAAGTTTTAATGCACGA-3'